The following is an entry in ClinVar:

ClinVar aggregate classification (germline): Uncertain significance (1 of 4 stars; one submission).

Submission:

Ambry Genetics
Classification: Uncertain significance. Last evaluated: 2021-09-07. Review status: criteria provided, single submitter. Criteria: Ambry Variant Classification Scheme 2023. Collection method: clinical testing. Allele origin: germline.
Comment: The c.1515delA variant, located in coding exon 12 of the RECQL gene, results from a deletion of one nucleotide at nucleotide position 1515, causing a translational frameshift with a predicted alternate stop codon (p.E505Dfs*2). This alteration is expected to result in premature protein truncation or nonsense-mediated mRNA decay. However, the gene-disease association for RECQL is limited. Since supporting evidence is limited at this time, the clinical significance of this alteration remains unclear.

NM_002907.4(RECQL):c.1515del (p.Glu505fs)

Gene: RECQL (RecQ like helicase; minus strand). Cytogenetic location: 12p12.1.
Variant type: Deletion.
Coding change: c.1515del on transcript NM_002907.4 (MANE Select); coding-DNA position 1515, one base deleted (A; older notation c.1515delA).
Protein change: p.Glu505fs; shifts the reading frame from glutamic acid 505.
Molecular consequence: frameshift variant.
Genome position (GRCh38, 1-based): chr12:21,471,580, T deleted on the plus strand (A on the coding strand, the reverse complement: RECQL is on the minus strand); the first of 2 consecutive T bases (chr12:21,471,580-21,471,581); deleting either gives the same sequence. VCF-style (leftmost placement, unchanged base first): chr12-21471579-GT-G. GRCh37 (hg19) VCF-style: chr12-21624513-GT-G.
Other names: c.1515del, p.Glu505fs (NM_032941.3); short protein forms E505fs.
Identifiers: ClinVar variation 1774302 (VCV001774302.2), dbSNP rs867683978, ClinGen allele CA233565459.